The following is an entry in ClinVar:

ClinVar aggregate classification (germline): Uncertain significance (1 of 4 stars; one submission).

Conditions:
Inflammatory bowel disease 28. Also called: Inflammatory bowel disease 28, early onset, autosomal recessive. Identifiers: Orphanet 238569, MedGen C2751053, MONDO:0013153, OMIM 613148.

Allele frequency attached by ClinVar (database versions not stated): gnomAD 0.00001; TOPMed 0.00001.

Submission:

Labcorp Genetics (formerly Invitae), Labcorp
Classification: Uncertain significance for Inflammatory bowel disease 28. Last evaluated: 2019-12-12. Review status: criteria provided, single submitter. Criteria: Invitae Variant Classification Sherloc (09022015). Collection method: clinical testing. Allele origin: germline.
Comment: In summary, the available evidence is currently insufficient to determine the role of this variant in disease. Therefore, it has been classified as a Variant of Uncertain Significance. Algorithms developed to predict the effect of missense changes on protein structure and function output the following: SIFT: "Tolerated"; PolyPhen-2: "Benign"; Align-GVGD: "Class C0". The arginine amino acid residue is found in multiple mammalian species, suggesting that this missense change does not adversely affect protein function. These predictions have not been confirmed by published functional studies and their clinical significance is uncertain. This variant has not been reported in the literature in individuals with IL10RA-related conditions. This variant is present in population databases (rs778369288, ExAC 0.002%). This sequence change replaces glutamine with arginine at codon 417 of the IL10RA protein (p.Gln417Arg). The glutamine residue is moderately conserved and there is a small physicochemical difference between glutamine and arginine.

NM_001558.4(IL10RA):c.1250A>G (p.Gln417Arg)

Gene: IL10RA (interleukin 10 receptor subunit alpha; plus strand). Cytogenetic location: 11q23.3.
Variant type: single nucleotide variant.
Coding change: c.1250A>G on transcript NM_001558.4 (MANE Select); coding-DNA position 1250, A replaced by G.
Protein change: p.Gln417Arg; replaces glutamine 417 with arginine.
Molecular consequence: missense variant. On other transcripts: non-coding transcript variant (1).
Genome position (GRCh38, 1-based): chr11:117,999,154, A>G. VCF-style: chr11-117999154-A-G. GRCh37 (hg19) VCF-style: chr11-117869869-A-G.
Other names: short protein forms Q417R.
Identifiers: ClinVar variation 854743 (VCV000854743.9), dbSNP rs778369288, ClinGen allele CA6299147.